The following is an entry in ClinVar:

NM_001291303.3(FAT4):c.12400G>A (p.Gly4134Arg)

Gene: FAT4 (FAT atypical cadherin 4; plus strand). Cytogenetic location: 4q28.1.
Variant type: single nucleotide variant.
Coding change: c.12400G>A on transcript NM_001291303.3 (MANE Select); coding-DNA position 12400, G replaced by A.
Protein change: p.Gly4134Arg; replaces glycine 4134 with arginine.
Molecular consequence: missense variant.
Genome position (GRCh38, 1-based): chr4:125,477,255, G>A. VCF-style: chr4-125477255-G-A. GRCh37 (hg19) VCF-style: chr4-126398410-G-A.
Other names: c.12400G>A, p.Gly4134Arg (NM_001291285.3); c.12394G>A, p.Gly4132Arg (NM_024582.6); short protein forms G4134R, G4132R.
Identifiers: ClinVar variation 1445152 (VCV001445152.6), dbSNP rs766004499, ClinGen allele CA358131077.

ClinVar aggregate classification (germline): Uncertain significance (1 of 4 stars; one submission).

Submission:

Labcorp Genetics (formerly Invitae), Labcorp
Classification: Uncertain significance. Last evaluated: 2021-08-20. Review status: criteria provided, single submitter. Criteria: Invitae Variant Classification Sherloc (09022015). Collection method: clinical testing. Allele origin: germline.
Comment: Algorithms developed to predict the effect of sequence changes on RNA splicing suggest that this variant may create or strengthen a splice site. Advanced modeling of protein sequence and biophysical properties (such as structural, functional, and spatial information, amino acid conservation, physicochemical variation, residue mobility, and thermodynamic stability) performed at Invitae indicates that this missense variant is expected to disrupt FAT4 protein function. This variant has not been reported in the literature in individuals affected with FAT4-related conditions. This variant is not present in population databases (ExAC no frequency). This sequence change replaces glycine with arginine at codon 4132 of the FAT4 protein (p.Gly4132Arg). The glycine residue is highly conserved and there is a moderate physicochemical difference between glycine and arginine. In summary, the available evidence is currently insufficient to determine the role of this variant in disease. Therefore, it has been classified as a Variant of Uncertain Significance.